The following is an entry in ClinVar:

ClinVar aggregate classification (germline): Likely benign. Review status: criteria provided, multiple submitters, no conflicts (2 of 4 stars). 3 submissions from 3 submitters: Likely benign (3). Last evaluated 2025-03-10.

Conditions:
Familial thoracic aortic aneurysm and aortic dissection (TAAD). Also called: Thoracic aortic aneurysms and dissections. Identifiers: Orphanet 91387, MedGen C4707243, MONDO:0019625.
Adams-Oliver syndrome 5 (AOS5). Identifiers: Orphanet 974, MedGen C4014970, MONDO:0014459, OMIM 616028.

Allele frequency attached by ClinVar (database versions not stated): gnomAD 0.00001; TOPMed 0.00005.

Submissions (3):

Labcorp Genetics (formerly Invitae), Labcorp
Classification: Likely benign for Adams-Oliver syndrome 5. Last evaluated: 2025-03-10. Review status: criteria provided, single submitter. Criteria: Invitae Variant Classification Sherloc (09022015). Collection method: clinical testing. Allele origin: germline.

Ambry Genetics
Classification: Likely benign for Familial thoracic aortic aneurysm and aortic dissection. Last evaluated: 2020-03-16. Review status: criteria provided, single submitter. Criteria: Ambry Variant Classification Scheme 2023. Collection method: clinical testing. Allele origin: germline.

GeneDx
Classification: Likely benign. Last evaluated: 2017-02-27. Review status: criteria provided, single submitter. Criteria: GeneDx Variant Classification (06012015). Collection method: clinical testing. Allele origin: germline. Affected: yes.
Comment: This variant is considered likely benign or benign based on one or more of the following criteria: it is a conservative change, it occurs at a poorly conserved position in the protein, it is predicted to be benign by multiple in silico algorithms, and/or has population frequency not consistent with disease.

NM_017617.5(NOTCH1):c.3015C>T (p.Phe1005=)

Gene: NOTCH1 (notch receptor 1; minus strand). Cytogenetic location: 9q34.3.
Variant type: single nucleotide variant.
Coding change: c.3015C>T on transcript NM_017617.5 (MANE Select); coding-DNA position 3015, C replaced by T.
Protein change: p.Phe1005=; no amino-acid change (phenylalanine 1005 retained).
Molecular consequence: synonymous variant.
Genome position (GRCh38, 1-based): chr9:136,509,026, G>A on the plus strand (C>T on the coding strand, the complement: NOTCH1 is on the minus strand). VCF-style: chr9-136509026-G-A. GRCh37 (hg19) VCF-style: chr9-139403478-G-A.
Other names: c.3015C>T, p.Phe1005= (LRG_1122t1).
Identifiers: ClinVar variation 507356 (VCV000507356.9), dbSNP rs991348745, ClinGen allele CA201581229.
Genomic context (GRCh38, chr9:136,509,026, plus strand): 5'-GCACTCATTGACATCGTGCTGGCAGTAGCTGCCCGTGAAGCCGGGTGGACACAGGCAGGT[G>A]AACGAGTTGATGCCGTCCACGCAGGTGCCACCGTTGAAGCAGGAGCTGCAAGGGGGTGGG-3'
Protein context (NP_060087.3, residues 995-1015): GGTCVDGINS[Phe1005=]TCLCPPGFTG